The following is an entry in ClinVar:

ClinVar aggregate classification (germline): Uncertain significance (1 of 4 stars; one submission).

Conditions:
Nephronophthisis. Also called: Juvenile Nephronophthisis. Identifiers: Orphanet 655, MedGen C0687120, MONDO:0019005, HP:0000090.

Allele frequency attached by ClinVar (database versions not stated): gnomAD exomes below 0.00001; ExAC 0.00001.
gnomAD v4.1: 1 of 1,613,170 alleles (0.000062%); highest among the groups gnomAD compares: Non-Finnish European, 0.000085%; no homozygotes.

Submission:

Labcorp Genetics (formerly Invitae), Labcorp
Classification: Uncertain significance for Nephronophthisis. Last evaluated: 2022-01-26. Review status: criteria provided, single submitter. Criteria: Invitae Variant Classification Sherloc (09022015). Collection method: clinical testing. Allele origin: germline.
Comment: In summary, the available evidence is currently insufficient to determine the role of this variant in disease. Therefore, it has been classified as a Variant of Uncertain Significance. Algorithms developed to predict the effect of missense changes on protein structure and function are either unavailable or do not agree on the potential impact of this missense change (SIFT: "Deleterious"; PolyPhen-2: "Probably Damaging"; Align-GVGD: "Class C15"). This variant has not been reported in the literature in individuals affected with NPHP3-related conditions. The frequency data for this variant in the population databases is considered unreliable, as metrics indicate poor data quality at this position in the gnomAD database. This sequence change replaces proline, which is neutral and non-polar, with histidine, which is basic and polar, at codon 1258 of the NPHP3 protein (p.Pro1258His).

NM_153240.5(NPHP3):c.3773C>A (p.Pro1258His)

Genes: NPHP3 (nephrocystin 3; minus strand), NPHP3-ACAD11 (NPHP3-ACAD11 readthrough (NMD candidate); minus strand). Cytogenetic location: 3q22.1.
Variant type: single nucleotide variant.
Coding change: c.3773C>A on transcript NM_153240.5 (MANE Select); coding-DNA position 3773, C replaced by A.
Protein change: p.Pro1258His; replaces proline 1258 with histidine.
Molecular consequence: missense variant. On other transcripts: non-coding transcript variant (1).
Genome position (GRCh38, 1-based): chr3:132,682,742, G>T on the plus strand (C>A on the coding strand, the complement: NPHP3 is on the minus strand). VCF-style: chr3-132682742-G-T. GRCh37 (hg19) VCF-style: chr3-132401586-G-T.
Other names: short protein forms P1258H.
Identifiers: ClinVar variation 1399347 (VCV001399347.5), dbSNP rs778016120, ClinGen allele CA2621648.